The following is an entry in ClinVar:

NM_000660.7(TGFB1):c.91T>G (p.Ser31Ala)

Gene: TGFB1 (transforming growth factor beta 1; minus strand). Cytogenetic location: 19q13.2.
Variant type: single nucleotide variant.
Coding change: c.91T>G on transcript NM_000660.7 (MANE Select); coding-DNA position 91, T replaced by G.
Protein change: p.Ser31Ala; replaces serine 31 with alanine.
Molecular consequence: missense variant.
Genome position (GRCh38, 1-based): chr19:41,352,954, A>C on the plus strand (T>G on the coding strand, the complement: TGFB1 is on the minus strand). VCF-style: chr19-41352954-A-C. GRCh37 (hg19) VCF-style: chr19-41858859-A-C.
Other names: short protein forms S31A.
Identifiers: ClinVar variation 1356981 (VCV001356981.8), dbSNP rs61761349, ClinGen allele CA308518678.

ClinVar aggregate classification (germline): Uncertain significance (1 of 4 stars; one submission).

Allele frequency attached by ClinVar (database versions not stated): gnomAD exomes below 0.00001; TOPMed 0.00001.
gnomAD v4.1: 4 of 1,550,390 alleles (0.00026%); highest among the groups gnomAD compares: Non-Finnish European, 0.00035%; no homozygotes.

Submission:

Labcorp Genetics (formerly Invitae), Labcorp
Classification: Uncertain significance. Last evaluated: 2025-07-29. Review status: criteria provided, single submitter. Criteria: Invitae Variant Classification Sherloc (09022015). Collection method: clinical testing. Allele origin: germline.
Comment: This sequence change replaces serine, which is neutral and polar, with alanine, which is neutral and non-polar, at codon 31 of the TGFB1 protein (p.Ser31Ala). This variant is not present in population databases (gnomAD no frequency). This variant has not been reported in the literature in individuals affected with TGFB1-related conditions. ClinVar contains an entry for this variant (Variation ID: 1356981). An algorithm developed to predict the effect of missense changes on protein structure and function (PolyPhen-2) suggests that this variant is likely to be tolerated. In summary, the available evidence is currently insufficient to determine the role of this variant in disease. Therefore, it has been classified as a Variant of Uncertain Significance.